The following is an entry in ClinVar:

NM_001048174.2(MUTYH):c.1487T>A (p.Met496Lys)

Gene: MUTYH (mutY DNA glycosylase; minus strand). Cytogenetic location: 1p34.1.
Variant type: single nucleotide variant.
Coding change: c.1487T>A on transcript NM_001048174.2 (MANE Select); coding-DNA position 1487, T replaced by A.
Protein change: p.Met496Lys; replaces methionine 496 with lysine.
Molecular consequence: missense variant. On other transcripts: non-coding transcript variant (7).
Genome position (GRCh38, 1-based): chr1:45,329,385, A>T on the plus strand (T>A on the coding strand, the complement: MUTYH is on the minus strand). VCF-style: chr1-45329385-A-T. GRCh37 (hg19) VCF-style: chr1-45795057-A-T.
Other names: c.1529T>A, p.Met510Lys (NM_001407083.1, NM_001407085.1); c.1490T>A, p.Met497Lys (NM_001407086.1, NM_001048172.2, NM_001407071.1 and 1 more transcripts); c.1508T>A, p.Met503Lys (NM_001407087.1); c.1487T>A, p.Met496Lys (NM_001407088.1, NM_001407089.1, NM_001048171.2 and 6 more transcripts); c.1211T>A, p.Met404Lys (NM_001407091.1, NM_001293192.2, NM_001293196.2); c.1562T>A, p.Met521Lys (NM_012222.3); c.1571T>A, p.Met524Lys (NM_001128425.2); c.1532T>A, p.Met511Lys (NM_001293190.2); and 5 more; short protein forms M483K, M511K, M521K, M468K, M482K, M496K, M381K, M404K.
Identifiers: ClinVar variation 4113377 (VCV004113377.1).

ClinVar aggregate classification (germline): Uncertain significance (1 of 4 stars; one submission).

Conditions:
Hereditary cancer-predisposing syndrome. Also called: Tumor predisposition; Neoplastic Syndromes, Hereditary; Hereditary neoplastic syndrome; Hereditary Cancer Syndrome. Identifiers: Orphanet 140162, MedGen C0027672, MeSH D009386, MONDO:0015356.

Submission:

Ambry Genetics
Classification: Uncertain significance for Hereditary cancer-predisposing syndrome. Last evaluated: 2025-08-27. Review status: criteria provided, single submitter. Criteria: Ambry Variant Classification Scheme 2023. Collection method: clinical testing. Allele origin: germline.
Comment: The p.M524K variant (also known as c.1571T>A), located in coding exon 16 of the MUTYH gene, results from a T to A substitution at nucleotide position 1571. The methionine at codon 524 is replaced by lysine, an amino acid with similar properties. This amino acid position is conserved. In addition, this alteration is predicted to be tolerated by in silico analysis. Based on the available evidence, the clinical significance of this variant remains unclear.